The following is an entry in ClinVar:

NM_006231.4(POLE):c.1949C>G (p.Thr650Ser)

Gene: POLE (DNA polymerase epsilon, catalytic subunit; minus strand). Cytogenetic location: 12q24.33.
Variant type: single nucleotide variant.
Coding change: c.1949C>G on transcript NM_006231.4 (MANE Select); coding-DNA position 1949, C replaced by G.
Protein change: p.Thr650Ser; replaces threonine 650 with serine.
Molecular consequence: missense variant.
Genome position (GRCh38, 1-based): chr12:132,668,712, G>C on the plus strand (C>G on the coding strand, the complement: POLE is on the minus strand). VCF-style: chr12-132668712-G-C. GRCh37 (hg19) VCF-style: chr12-133245298-G-C.
Other names: short protein forms T650S.
Identifiers: ClinVar variation 853688 (VCV000853688.9), dbSNP rs115559742, ClinGen allele CA387355159.
Genomic context (GRCh38, chr12:132,668,712, plus strand): 5'-TGCCAGGCCATCTTCCGCTGGCAGTTTGCTCCAGGCTTATTGAAGTCACAGGCAGCACAG[G>C]TGGCTTCGTCCACCATGGCAGAGGGCTGGGAGGGGTGAGAAAGCACTTAGGGCTGGGCAG-3'
Protein context (NP_006222.2, residues 640-660): LQPSAMVDEA[Thr650Ser]CAACDFNKPG

ClinVar aggregate classification (germline): Uncertain significance (1 of 4 stars; one submission).

Submission:

Labcorp Genetics (formerly Invitae), Labcorp
Classification: Uncertain significance. Last evaluated: 2023-09-08. Review status: criteria provided, single submitter. Criteria: Invitae Variant Classification Sherloc (09022015). Collection method: clinical testing. Allele origin: germline.
Comment: This sequence change replaces threonine, which is neutral and polar, with serine, which is neutral and polar, at codon 650 of the POLE protein (p.Thr650Ser). ClinVar contains an entry for this variant (Variation ID: 853688). Advanced modeling of protein sequence and biophysical properties (such as structural, functional, and spatial information, amino acid conservation, physicochemical variation, residue mobility, and thermodynamic stability) performed at Invitae indicates that this missense variant is not expected to disrupt POLE protein function. This variant has not been reported in the literature in individuals affected with POLE-related conditions. This variant is not present in population databases (gnomAD no frequency). In summary, the available evidence is currently insufficient to determine the role of this variant in disease. Therefore, it has been classified as a Variant of Uncertain Significance.